The following is an entry in ClinVar:

ClinVar aggregate classification (germline): Uncertain significance (1 of 4 stars; one submission).

Conditions:
Familial melanoma. Also called: Hereditary melanoma; Hereditary cutaneous melanoma. Identifiers: Orphanet 618, MedGen C1512419, MONDO:0018961.

Submission:

Labcorp Genetics (formerly Invitae), Labcorp
Classification: Uncertain significance for Familial melanoma. Last evaluated: 2025-08-31. Review status: criteria provided, single submitter. Criteria: Invitae Variant Classification Sherloc (09022015). Collection method: clinical testing. Allele origin: germline.
Comment: This sequence change replaces aspartic acid, which is acidic and polar, with glutamic acid, which is acidic and polar, at codon 158 of the CDK4 protein (p.Asp158Glu). This variant is not present in population databases (gnomAD no frequency). This variant has not been reported in the literature in individuals affected with CDK4-related conditions. ClinVar contains an entry for this variant (Variation ID: 2699605). Invitae Evidence Modeling of protein sequence and biophysical properties (such as structural, functional, and spatial information, amino acid conservation, physicochemical variation, residue mobility, and thermodynamic stability) indicates that this missense variant is expected to disrupt CDK4 protein function with a positive predictive value of 95%. In summary, the available evidence is currently insufficient to determine the role of this variant in disease. Therefore, it has been classified as a Variant of Uncertain Significance.

NM_000075.4(CDK4):c.474C>G (p.Asp158Glu)

Gene: CDK4 (cyclin dependent kinase 4; minus strand). Cytogenetic location: 12q14.1.
Variant type: single nucleotide variant.
Coding change: c.474C>G on transcript NM_000075.4 (MANE Select); coding-DNA position 474, C replaced by G.
Protein change: p.Asp158Glu; replaces aspartic acid 158 with glutamic acid.
Molecular consequence: missense variant.
Genome position (GRCh38, 1-based): chr12:57,750,971, G>C on the plus strand (C>G on the coding strand, the complement: CDK4 is on the minus strand). VCF-style: chr12-57750971-G-C. GRCh37 (hg19) VCF-style: chr12-58144754-G-C.
Other names: short protein forms D158E.
Identifiers: ClinVar variation 2699605 (VCV002699605.3), dbSNP rs2140386416, ClinGen allele CA385546312.